The following is an entry in ClinVar:

ClinVar aggregate classification (germline): Uncertain significance (1 of 4 stars; one submission).

Conditions:
Borjeson-Forssman-Lehmann syndrome (BFLS). Also called: MENTAL RETARDATION, X-LINKED, SYNDROMIC, BORJESON-FORSSMAN-LEHMANN TYPE; MENTAL RETARDATION, EPILEPSY, AND ENDOCRINE DISORDERS; BORJESON SYNDROME. Identifiers: Orphanet 127, MedGen C0265339, MONDO:0010537, OMIM 301900.

Submission:

Baylor Genetics
Classification: Uncertain significance for Borjeson-Forssman-Lehmann syndrome. Last evaluated: 2018-05-24. Review status: criteria provided, single submitter. Criteria: ACMG Guidelines, 2015. Collection method: clinical testing. Allele origin: de novo. Affected: yes.
Comment: This variant was determined to be of uncertain significance according to ACMG Guidelines, 2015 [PMID:25741868].

NM_001015877.2(PHF6):c.969-6T>G

Gene: PHF6 (PHD finger protein 6; plus strand). Cytogenetic location: Xq26.2.
Variant type: single nucleotide variant.
Coding change: c.969-6T>G on transcript NM_001015877.2 (MANE Select); 6 bases into the intron before coding-DNA position 969, T replaced by G.
Molecular consequence: intron variant.
Genome position (GRCh38, 1-based): chrX:134,425,195, T>G. VCF-style: chrX-134425195-T-G. GRCh37 (hg19) VCF-style: chrX-133559225-T-G.
Other names: c.969-6T>G (NM_032458.3).
Identifiers: ClinVar variation 1031493 (VCV001031493.1), dbSNP rs2077504087, ClinGen allele CA2459720826.